The following is an entry in ClinVar:

ClinVar aggregate classification (germline): Uncertain significance. Review status: criteria provided, multiple submitters, no conflicts (2 of 4 stars). 3 submissions from 3 submitters: Uncertain significance (3). Last evaluated 2026-06-25.

Conditions:
Tuberous sclerosis 2 (TSC2). Identifiers: Orphanet 805, MedGen C1860707, MONDO:0013199, OMIM 613254.
Tuberous sclerosis syndrome (TSC). Also called: Tuberous sclerosis; Tuberous Sclerosis Complex. Identifiers: Orphanet 805, MedGen C0041341, MONDO:0001734.
Hereditary cancer-predisposing syndrome. Also called: Neoplastic Syndromes, Hereditary; Hereditary Cancer Syndrome; Tumor predisposition; Hereditary neoplastic syndrome. Identifiers: Orphanet 140162, MedGen C0027672, MeSH D009386, MONDO:0015356.

Submissions (3):

Ambry Genetics
Classification: Uncertain significance for Hereditary cancer-predisposing syndrome. Last evaluated: 2026-06-25. Review status: criteria provided, single submitter. Criteria: Ambry Variant Classification Scheme 2023. Collection method: clinical testing. Allele origin: germline.
Comment: The p.V213M variant (also known as c.637G>A), located in coding exon 6 of the TSC2 gene, results from a G to A substitution at nucleotide position 637. The valine at codon 213 is replaced by methionine, an amino acid with highly similar properties. This amino acid position is conserved. In addition, this alteration is predicted to be tolerated by in silico analysis. Based on the available evidence, the clinical significance of this variant remains unclear.

Labcorp Genetics (formerly Invitae), Labcorp
Classification: Uncertain significance for Tuberous sclerosis 2. Last evaluated: 2024-04-24. Review status: criteria provided, single submitter. Criteria: Invitae Variant Classification Sherloc (09022015). Collection method: clinical testing. Allele origin: germline.
Comment: This sequence change replaces valine, which is neutral and non-polar, with methionine, which is neutral and non-polar, at codon 213 of the TSC2 protein (p.Val213Met). This variant is not present in population databases (gnomAD no frequency). This variant has not been reported in the literature in individuals affected with TSC2-related conditions. ClinVar contains an entry for this variant (Variation ID: 405991). Advanced modeling of protein sequence and biophysical properties (such as structural, functional, and spatial information, amino acid conservation, physicochemical variation, residue mobility, and thermodynamic stability) performed at Invitae indicates that this missense variant is not expected to disrupt TSC2 protein function with a negative predictive value of 95%. In summary, the available evidence is currently insufficient to determine the role of this variant in disease. Therefore, it has been classified as a Variant of Uncertain Significance.

All of Us Research Program, National Institutes of Health
Classification: Uncertain significance for Tuberous sclerosis syndrome. Last evaluated: 2024-01-11. Review status: criteria provided, single submitter. Criteria: ACMG Guidelines, 2015. Collection method: clinical testing. Allele origin: germline. Inheritance: Autosomal dominant inheritance. Observed: 1 variant allele, 1 heterozygote.
Comment: This study involves interpretation of variants in research participants for the purpose of population health screening. Participant phenotype was not available at the time of variant classification. Additional details can be found in publication PMID: 35346344, PMCID: PMC8962531

NM_000548.5(TSC2):c.637G>A (p.Val213Met)

Gene: TSC2 (TSC complex subunit 2; plus strand). Cytogenetic location: 16p13.3.
Variant type: single nucleotide variant.
Coding change: c.637G>A on transcript NM_000548.5 (MANE Select); coding-DNA position 637, G replaced by A.
Protein change: p.Val213Met; replaces valine 213 with methionine.
Molecular consequence: missense variant.
Genome position (GRCh38, 1-based): chr16:2,056,233, G>A. VCF-style: chr16-2056233-G-A. GRCh37 (hg19) VCF-style: chr16-2106234-G-A.
Other names: c.637G>A, p.Val213Met (NM_001077183.3, NM_001114382.3, NM_001363528.2 and 3 more transcripts); c.526G>A, p.Val176Met (NM_001318827.2); c.490G>A, p.Val164Met (NM_001318829.2); c.37G>A, p.Val13Met (NM_001318831.2); c.670G>A, p.Val224Met (NM_001318832.2); short protein forms V213M, V176M, V224M, V13M, V164M.
Identifiers: ClinVar variation 405991 (VCV000405991.10), dbSNP rs1060500927, ClinGen allele CA16614905.